The following is an entry in ClinVar:

ClinVar aggregate classification (germline): Uncertain significance (1 of 4 stars; one submission).

Submission:

CeGaT Center for Human Genetics Tuebingen
Classification: Uncertain significance. Last evaluated: 2024-01-01. Review status: criteria provided, single submitter. Criteria: CeGaT Center For Human Genetics Tuebingen Variant Classification Criteria Version 2. Collection method: clinical testing. Allele origin: germline. Affected: yes. Observed: 2 variant alleles.
Comment: USH2A: PM2, BP4

NM_206933.4(USH2A):c.12706T>A (p.Cys4236Ser)

Gene: USH2A (usherin; minus strand). Cytogenetic location: 1q41.
Variant type: single nucleotide variant.
Coding change: c.12706T>A on transcript NM_206933.4 (MANE Select); coding-DNA position 12706, T replaced by A.
Protein change: p.Cys4236Ser; replaces cysteine 4236 with serine.
Molecular consequence: missense variant.
Genome position (GRCh38, 1-based): chr1:215,675,205, A>T on the plus strand (T>A on the coding strand, the complement: USH2A is on the minus strand). VCF-style: chr1-215675205-A-T. GRCh37 (hg19) VCF-style: chr1-215848547-A-T.
Other names: short protein forms C4236S.
Identifiers: ClinVar variation 1298452 (VCV001298452.35), dbSNP rs2102666455, ClinGen allele CA344849716.